The following is an entry in ClinVar:

NM_000038.6(APC):c.572A>T (p.Tyr191Phe)

Gene: APC (APC regulator of Wnt signaling pathway; plus strand). Cytogenetic location: 5q22.2.
Variant type: single nucleotide variant.
Coding change: c.572A>T on transcript NM_000038.6 (MANE Select); coding-DNA position 572, A replaced by T.
Protein change: p.Tyr191Phe; replaces tyrosine 191 with phenylalanine.
Molecular consequence: missense variant. On other transcripts: 5 prime UTR variant (1).
Genome position (GRCh38, 1-based): chr5:112,780,830, A>T. VCF-style: chr5-112780830-A-T. GRCh37 (hg19) VCF-style: chr5-112116527-A-T.
Other names: c.572A>T, p.Tyr191Phe (NM_001127510.3, NM_001354895.2, NM_001354896.2 and 2 more transcripts); c.602A>T, p.Tyr201Phe (NM_001127511.3, NM_001354897.2, NM_001354902.2); c.497A>T, p.Tyr166Phe (NM_001354898.2, NM_001354904.2); c.395A>T, p.Tyr132Phe (NM_001354900.2, NM_001354901.2, NM_001354905.2); c.-464A>T (NM_001354906.2); short protein forms Y132F, Y191F, Y166F, Y201F.
Identifiers: ClinVar variation 825927 (VCV000825927.4), dbSNP rs1242767881, ClinGen allele CA16022589.
Genomic context (GRCh38, chr5:112,780,830, plus strand): 5'-TTTATTATTTGTGGTTTTAGTTTTCCTTACAAACAGATATGACCAGAAGGCAATTGGAAT[A>T]TGAAGCAAGGCAAATCAGAGTTGCGATGGAAGAACAACTAGGTACCTGCCAGGATATGGA-3'
Protein context (NP_000029.2, residues 181-201): QTDMTRRQLE[Tyr191Phe]EARQIRVAME

ClinVar aggregate classification (germline): Uncertain significance (1 of 4 stars; one submission).

Conditions:
Hereditary cancer-predisposing syndrome. Also called: Neoplastic Syndromes, Hereditary; Tumor predisposition; Hereditary neoplastic syndrome; Hereditary Cancer Syndrome. Identifiers: Orphanet 140162, MedGen C0027672, MeSH D009386, MONDO:0015356.

Allele frequency attached by ClinVar (database versions not stated): gnomAD exomes below 0.00001.
gnomAD v4.1: 1 of 1,613,570 alleles (0.000062%); highest among the groups gnomAD compares: Non-Finnish European, 0.000085%; no homozygotes.

Submission:

Ambry Genetics
Classification: Uncertain significance for Hereditary cancer-predisposing syndrome. Last evaluated: 2019-09-18. Review status: criteria provided, single submitter. Criteria: Ambry Variant Classification Scheme 2023. Collection method: clinical testing. Allele origin: germline.
Comment: The p.Y191F variant (also known as c.572A>T), located in coding exon 5 of the APC gene, results from an A to T substitution at nucleotide position 572. The tyrosine at codon 191 is replaced by phenylalanine, an amino acid with highly similar properties. This amino acid position is well conserved in available vertebrate species. In addition, in silico predictors for this gene do not accurately predict pathogenicity. Since supporting evidence is limited at this time, the clinical significance of this alteration remains unclear.